The following is an entry in ClinVar:

ClinVar aggregate classification (germline): Likely benign (1 of 4 stars; one submission).

Allele frequency attached by ClinVar (database versions not stated): 1000 Genomes Project 0.00040; 1000 Genomes Project 30x 0.00125; ExAC 0.00148.
gnomAD v4.1: 2,038 of 682,132 alleles (0.3%); highest among the groups gnomAD compares: Non-Finnish European, 0.32%; 12 homozygotes.

Submission:

CeGaT Center for Human Genetics Tuebingen
Classification: Likely benign. Last evaluated: 2022-12-01. Review status: criteria provided, single submitter. Criteria: CeGaT Center For Human Genetics Tuebingen Variant Classification Criteria Version 2. Collection method: clinical testing. Allele origin: germline. Affected: yes. Observed: 1 variant allele.
Comment: TMEM200C: BS2

NM_001395400.1(TMEM200C):c.1198A>C (p.Ser400Arg)

Genes: MIR3976HG (MIR3976 host gene; plus strand), TMEM200C (transmembrane protein 200C; minus strand). Cytogenetic location: 18p11.31.
Variant type: single nucleotide variant.
Coding change: c.1198A>C on transcript NM_001395400.1 (MANE Select); coding-DNA position 1198, A replaced by C.
Protein change: p.Ser400Arg; replaces serine 400 with arginine.
Molecular consequence: missense variant.
Genome position (GRCh38, 1-based): chr18:5,890,866, T>G on the plus strand (A>C on the coding strand, the complement: TMEM200C is on the minus strand). VCF-style: chr18-5890866-T-G. GRCh37 (hg19) VCF-style: chr18-5890865-T-G.
Other names: c.1198A>C, p.Ser400Arg (NM_001080209.3); short protein forms S400R.
Identifiers: ClinVar variation 2648536 (VCV002648536.24), dbSNP rs543455233, ClinGen allele CA8878495.